The following is an entry in ClinVar:

ClinVar aggregate classification (germline): Conflicting classifications of pathogenicity. Review status: criteria provided, conflicting classifications (1 of 4 stars). 3 submissions from 2 submitters: Uncertain significance (1); Likely benign (2). Last evaluated 2025-01-25.

Conditions:
Tumoral calcinosis, hyperphosphatemic, familial, 2. Identifiers: MedGen C4693863, MONDO:0060714, OMIM 617993.
Autosomal dominant hypophosphatemic rickets (ADHR). Also called: HYPOPHOSPHATEMIA, AUTOSOMAL DOMINANT; VITAMIN D-RESISTANT RICKETS, AUTOSOMAL DOMINANT. Identifiers: Orphanet 89937, MedGen C0342642, MONDO:0008660, OMIM 193100.

Allele frequency attached by ClinVar (database versions not stated): TOPMed 0.00001; gnomAD 0.00002 and 0.00004; ExAC 0.00004; gnomAD exomes 0.00004 and 0.00015.
gnomAD v4.1: 218 of 1,613,770 alleles (0.014%); highest among the groups gnomAD compares: East Asian, 0.47%; 3 homozygotes.

Submissions (3):

Labcorp Genetics (formerly Invitae), Labcorp
Classification: Likely benign. Last evaluated: 2025-01-25. Review status: criteria provided, single submitter. Criteria: Invitae Variant Classification Sherloc (09022015). Collection method: clinical testing. Allele origin: germline.

Illumina Laboratory Services, Illumina
Classification: Likely benign for Autosomal dominant hypophosphatemic rickets. Last evaluated: 2018-01-13. Review status: criteria provided, single submitter. Criteria: ICSL Variant Classification Criteria 13 December 2019. Collection method: clinical testing. Allele origin: germline.
Comment: This variant was observed in the ICSL laboratory as part of a predisposition screen in an ostensibly healthy population. It had not been previously curated by ICSL or reported in the Human Gene Mutation Database (HGMD: prior to June 1st, 2018), and was therefore a candidate for classification through an automated scoring system. Utilizing variant allele frequency, disease prevalence and penetrance estimates, and inheritance mode, an automated score was calculated to assess if this variant is too frequent to cause the disease. Based on the score and internal cut-off values, a variant classified as likely benign is not then subjected to further curation. The score for this variant resulted in a classification of likely benign for this disease.

Illumina Laboratory Services, Illumina
Classification: Uncertain significance for Tumoral calcinosis, hyperphosphatemic, familial, 2. Last evaluated: 2018-01-13. Review status: criteria provided, single submitter. Criteria: ICSL Variant Classification Criteria 13 December 2019. Collection method: clinical testing. Allele origin: germline.

NM_020638.3(FGF23):c.249G>A (p.Val83=)

Gene: FGF23 (fibroblast growth factor 23; minus strand). Cytogenetic location: 12p13.32.
Variant type: single nucleotide variant.
Coding change: c.249G>A on transcript NM_020638.3 (MANE Select); coding-DNA position 249, G replaced by A.
Protein change: p.Val83=; no amino-acid change (valine 83 retained).
Molecular consequence: synonymous variant.
Genome position (GRCh38, 1-based): chr12:4,372,660, C>T on the plus strand (G>A on the coding strand, the complement: FGF23 is on the minus strand). VCF-style: chr12-4372660-C-T. GRCh37 (hg19) VCF-style: chr12-4481826-C-T.
Identifiers: ClinVar variation 882162 (VCV000882162.6), dbSNP rs753676774, ClinGen allele CA6395731.